The following is an entry in ClinVar:

ClinVar aggregate classification (germline): Uncertain significance (1 of 4 stars; one submission).

Allele frequency attached by ClinVar (database versions not stated): TOPMed 0.00002; gnomAD 0.00003; ExAC 0.00007.
gnomAD v4.1: 44 of 1,613,916 alleles (0.0027%); highest among the groups gnomAD compares: South Asian, 0.03%; no homozygotes.

Submission:

Ambry Genetics
Classification: Uncertain significance. Last evaluated: 2026-03-09. Review status: criteria provided, single submitter. Criteria: Ambry Variant Classification Scheme 2023. Collection method: clinical testing. Allele origin: germline.
Comment: The c.1024C>T (p.R342C) alteration is located in exon 13 (coding exon 13) of the IQCE gene. This alteration results from a C to T substitution at nucleotide position 1024, causing the arginine (R) at amino acid position 342 to be replaced by a cysteine (C). Based on data from gnomAD, the T allele has an overall frequency of 0.006% (16/280874) total alleles studied. The highest observed frequency was 0.026% (8/30602) of South Asian alleles. Based on insufficient or conflicting evidence, the clinical significance of this alteration remains unclear.

NM_152558.5(IQCE):c.1024C>T (p.Arg342Cys)

Gene: IQCE (IQ motif containing E; plus strand). Cytogenetic location: 7p22.3.
Variant type: single nucleotide variant.
Coding change: c.1024C>T on transcript NM_152558.5 (MANE Select); coding-DNA position 1024, C replaced by T.
Protein change: p.Arg342Cys; replaces arginine 342 with cysteine.
Molecular consequence: missense variant.
Genome position (GRCh38, 1-based): chr7:2,587,857, C>T. VCF-style: chr7-2587857-C-T. GRCh37 (hg19) VCF-style: chr7-2627491-C-T.
Other names: c.1024C>T, p.Arg342Cys (NM_001287499.2); c.976C>T, p.Arg326Cys (NM_001287500.2, NM_001410865.1); c.829C>T, p.Arg277Cys (NM_001287501.2, NM_001287502.2); short protein forms R342C, R277C, R326C.
Identifiers: ClinVar variation 2486655 (VCV002486655.3), dbSNP rs768583040, ClinGen allele CA4128994.